The following is an entry in ClinVar:

NM_007255.3(B4GALT7):c.733C>T (p.Pro245Ser)

Gene: B4GALT7 (beta-1,4-galactosyltransferase 7; plus strand). Cytogenetic location: 5q35.3.
Variant type: single nucleotide variant.
Coding change: c.733C>T on transcript NM_007255.3 (MANE Select); coding-DNA position 733, C replaced by T.
Protein change: p.Pro245Ser; replaces proline 245 with serine.
Molecular consequence: missense variant.
Genome position (GRCh38, 1-based): chr5:177,608,919, C>T. VCF-style: chr5-177608919-C-T. GRCh37 (hg19) VCF-style: chr5-177035920-C-T.
Other names: short protein forms P245S.
Identifiers: ClinVar variation 1364169 (VCV001364169.6), dbSNP rs1429482924, ClinGen allele CA362376655.
Genomic context (GRCh38, chr5:177,608,919, plus strand): 5'-CTGGGGCTCCAGGAAGGGCAGCCTGACCCCGACTTCCTTGGACCTCCCTAGCTTTTCCGC[C>T]CCTCGGGAATCACAACTGGGTACAAGACATTTCGCCACCTGCATGACCCAGCCTGGCGGA-3'
Protein context (NP_009186.1, residues 235-255): IKGAGLQLFR[Pro245Ser]SGITTGYKTF

ClinVar aggregate classification (germline): Uncertain significance (1 of 4 stars; one submission).

Conditions:
Spondylodysplastic Ehlers-Danlos syndrome. Identifiers: Orphanet 536471, Orphanet 75496, MedGen C5680154, MONDO:0007526.

Allele frequency attached by ClinVar (database versions not stated): gnomAD exomes below 0.00001 and 0.00002; TOPMed below 0.00001; gnomAD 0.00001.
gnomAD v4.1: 24 of 1,613,588 alleles (0.0015%); highest among the groups gnomAD compares: Non-Finnish European, 0.002%; no homozygotes.

Submission:

Labcorp Genetics (formerly Invitae), Labcorp
Classification: Uncertain significance for Spondylodysplastic Ehlers-Danlos syndrome. Last evaluated: 2022-08-16. Review status: criteria provided, single submitter. Criteria: Invitae Variant Classification Sherloc (09022015). Collection method: clinical testing. Allele origin: germline.
Comment: In summary, the available evidence is currently insufficient to determine the role of this variant in disease. Therefore, it has been classified as a Variant of Uncertain Significance. Algorithms developed to predict the effect of missense changes on protein structure and function are either unavailable or do not agree on the potential impact of this missense change (SIFT: "Tolerated"; PolyPhen-2: "Probably Damaging"; Align-GVGD: "Class C15"). ClinVar contains an entry for this variant (Variation ID: 1364169). This variant has not been reported in the literature in individuals affected with B4GALT7-related conditions. The frequency data for this variant in the population databases is considered unreliable, as metrics indicate poor data quality at this position in the gnomAD database. This sequence change replaces proline, which is neutral and non-polar, with serine, which is neutral and polar, at codon 245 of the B4GALT7 protein (p.Pro245Ser).